The following is an entry in ClinVar:

ClinVar aggregate classification (germline): Uncertain significance (1 of 4 stars; one submission).

Conditions:
Renal cell carcinoma. Identifiers: Orphanet 217071, MedGen C0007134, MeSH D002292, MONDO:0005086, HP:0005584.

Submission:

Labcorp Genetics (formerly Invitae), Labcorp
Classification: Uncertain significance for Renal cell carcinoma. Last evaluated: 2018-11-23. Review status: criteria provided, single submitter. Criteria: Invitae Variant Classification Sherloc (09022015). Collection method: clinical testing. Allele origin: germline.
Comment: This variant has not been reported in the literature in individuals with MET-related conditions. Algorithms developed to predict the effect of missense changes on protein structure and function are either unavailable or do not agree on the potential impact of this missense change (SIFT: "Tolerated"; PolyPhen-2: "Probably Damaging"; Align-GVGD: "Class C0"). In summary, the available evidence is currently insufficient to determine the role of this variant in disease. Therefore, it has been classified as a Variant of Uncertain Significance. This variant is not present in population databases (ExAC no frequency). This sequence change replaces cysteine with phenylalanine at codon 818 of the MET protein (p.Cys818Phe). The cysteine residue is moderately conserved and there is a large physicochemical difference between cysteine and phenylalanine.

NM_000245.4(MET):c.2399G>T (p.Cys800Phe)

Gene: MET (MET proto-oncogene, receptor tyrosine kinase; plus strand). Cytogenetic location: 7q31.2.
Variant type: single nucleotide variant.
Coding change: c.2399G>T on transcript NM_000245.4 (MANE Select); coding-DNA position 2399, G replaced by T.
Protein change: p.Cys800Phe; replaces cysteine 800 with phenylalanine.
Molecular consequence: missense variant.
Genome position (GRCh38, 1-based): chr7:116,763,084, G>T. VCF-style: chr7-116763084-G-T. GRCh37 (hg19) VCF-style: chr7-116403138-G-T.
Other names: c.2453G>T, p.Cys818Phe (NM_001127500.3); c.2399G>T, p.Cys800Phe (NM_001324401.3); c.1109G>T, p.Cys370Phe (NM_001324402.2); short protein forms C800F, C818F, C370F.
Identifiers: ClinVar variation 648391 (VCV000648391.10), dbSNP rs1209881740, ClinGen allele CA368983001.